The following is an entry in ClinVar:

ClinVar aggregate classification (germline): Likely pathogenic (1 of 4 stars; one submission).

Conditions:
Heart defects, congenital, and other congenital anomalies. Also called: PANCREATIC HYPOPLASIA, CONGENITAL, WITH DIABETES MELLITUS AND CONGENITAL HEART DISEASE; Pancreatic hypoplasia-diabetes-congenital heart disease syndrome. Identifiers: Orphanet 2255, MedGen C2931296, MONDO:0010802, OMIM 600001.

Submission:

MVZ Medizinische Genetik Mainz
Classification: Likely pathogenic for Heart defects, congenital, and other congenital anomalies. Last evaluated: 2025-10-02. Review status: criteria provided, single submitter. Criteria: UK Practice Guidelines For Variant Classification V4 01 2020. Collection method: clinical testing. Allele origin: germline. Inheritance: Autosomal dominant inheritance. Affected: yes. Observed: 1 variant allele.
Comment: ACMG Criteria: PVS1,PM2_SUP

NM_005257.6(GATA6):c.1115_1122del (p.Val372fs)

Gene: GATA6 (GATA binding protein 6; plus strand). Cytogenetic location: 18q11.2.
Variant type: Deletion.
Coding change: c.1115_1122del on transcript NM_005257.6 (MANE Select); coding-DNA positions 1115 to 1122, 8 bases deleted (TGCCCCGG; older notation c.1115_1122delTGCCCCGG).
Protein change: p.Val372fs; shifts the reading frame from valine 372.
Molecular consequence: frameshift variant.
Genome position (GRCh38, 1-based): chr18:22,172,259-22,172,266, TGCCCCGG deleted; deleting any 8 consecutive bases within chr18:22,172,254-22,172,266 gives the same sequence; the c. name uses the placement nearest the transcript's 3' end. VCF-style (leftmost placement, unchanged base first): chr18-22172253-TCCCGGTGC-T. GRCh37 (hg19) VCF-style: chr18-19752214-TCCCGGTGC-T.
Other names: short protein forms V372fs.
Identifiers: ClinVar variation 4526525 (VCV004526525.1).